The following is an entry in ClinVar:

ClinVar aggregate classification (germline): Pathogenic (1 of 4 stars; one submission).

Conditions:
Spastic paraplegia. Identifiers: MedGen C0037772, HP:0001258.

Submission:

Labcorp Genetics (formerly Invitae), Labcorp
Classification: Pathogenic for Spastic paraplegia. Last evaluated: 2022-03-27. Review status: criteria provided, single submitter. Criteria: Invitae Variant Classification Sherloc (09022015). Collection method: clinical testing. Allele origin: germline.
Comment: For these reasons, this variant has been classified as Pathogenic. This variant has not been reported in the literature in individuals affected with SLC16A2-related conditions. This variant is not present in population databases (gnomAD no frequency). This sequence change creates a premature translational stop signal (p.Gln22*) in the SLC16A2 gene. It is expected to result in an absent or disrupted protein product. Loss-of-function variants in SLC16A2 are known to be pathogenic (PMID: 20083155, 25527620).

Literature cited by the submitters: PubMed 20083155; PubMed 25527620.

NM_006517.5(SLC16A2):c.64C>T (p.Gln22Ter)

Gene: SLC16A2 (solute carrier family 16 member 2; plus strand). Cytogenetic location: Xq13.2.
Variant type: single nucleotide variant.
Coding change: c.64C>T on transcript NM_006517.5 (MANE Select); coding-DNA position 64, C replaced by T.
Protein change: p.Gln22Ter; replaces glutamine 22 with a stop codon.
Molecular consequence: nonsense.
Genome position (GRCh38, 1-based): chrX:74,421,701, C>T. VCF-style: chrX-74421701-C-T. GRCh37 (hg19) VCF-style: chrX-73641536-C-T.
Other names: short protein forms Q22*.
Identifiers: ClinVar variation 2118223 (VCV002118223.4), dbSNP rs1310705934, ClinGen allele CA413655701.